The following is an entry in ClinVar:

ClinVar aggregate classification (germline): Pathogenic (1 of 4 stars; one submission).

Submission:

Labcorp Genetics (formerly Invitae), Labcorp
Classification: Pathogenic. Last evaluated: 2022-06-20. Review status: criteria provided, single submitter. Criteria: Invitae Variant Classification Sherloc (09022015). Collection method: clinical testing. Allele origin: germline.
Comment: ClinVar contains an entry for this variant (Variation ID: 835858). For these reasons, this variant has been classified as Pathogenic. This variant has not been reported in the literature in individuals affected with CACNA1F-related conditions. This variant is not present in population databases (gnomAD no frequency). This sequence change creates a premature translational stop signal (p.Glu412*) in the CACNA1F gene. It is expected to result in an absent or disrupted protein product. Loss-of-function variants in CACNA1F are known to be pathogenic (PMID: 9662399, 11281458, 17525176, 22194652, 24124559, 26992781).

Literature cited by the submitters: PubMed 9662399; PubMed 11281458; PubMed 17525176; PubMed 22194652; PubMed 24124559; PubMed 26992781.

NM_001256789.3(CACNA1F):c.1234G>T (p.Glu412Ter)

Gene: CACNA1F (calcium voltage-gated channel subunit alpha1 F; minus strand). Cytogenetic location: Xp11.23.
Variant type: single nucleotide variant.
Coding change: c.1234G>T on transcript NM_001256789.3 (MANE Select); coding-DNA position 1234, G replaced by T.
Protein change: p.Glu412Ter; replaces glutamic acid 412 with a stop codon.
Molecular consequence: nonsense.
Genome position (GRCh38, 1-based): chrX:49,227,012, C>A on the plus strand (G>T on the coding strand, the complement: CACNA1F is on the minus strand). VCF-style: chrX-49227012-C-A. GRCh37 (hg19) VCF-style: chrX-49083474-C-A.
Other names: c.1039G>T, p.Glu347Ter (NM_001256790.3); c.1234G>T, p.Glu412Ter (NM_005183.4); short protein forms E412*, E347*.
Identifiers: ClinVar variation 835858 (VCV000835858.7), dbSNP rs781837189, ClinGen allele CA412918614.